The following is an entry in ClinVar:

NM_001127208.3(TET2):c.2207C>T (p.Ser736Leu)

Genes: TET2 (tet methylcytosine dioxygenase 2; plus strand), TET2-AS1 (TET2 antisense RNA 1; minus strand). Cytogenetic location: 4q24.
Variant type: single nucleotide variant.
Coding change: c.2207C>T on transcript NM_001127208.3 (MANE Select); coding-DNA position 2207, C replaced by T.
Protein change: p.Ser736Leu; replaces serine 736 with leucine.
Molecular consequence: missense variant.
Genome position (GRCh38, 1-based): chr4:105,236,149, C>T. VCF-style: chr4-105236149-C-T. GRCh37 (hg19) VCF-style: chr4-106157306-C-T.
Other names: c.2207C>T, p.Ser736Leu (NM_017628.4); short protein forms S736L.
Identifiers: ClinVar variation 3967514 (VCV003967514.1).

ClinVar aggregate classification (germline): Uncertain significance (1 of 4 stars; one submission).

gnomAD v4.1: 13 of 1,614,084 alleles (0.00081%); highest among the groups gnomAD compares: Non-Finnish European, 0.001%; no homozygotes.

Submission:

Ambry Genetics
Classification: Uncertain significance. Last evaluated: 2025-03-31. Review status: criteria provided, single submitter. Criteria: Ambry Variant Classification Scheme 2023. Collection method: clinical testing. Allele origin: germline.
Comment: The p.S736L variant (also known as c.2207C>T), located in coding exon 1 of the TET2 gene, results from a C to T substitution at nucleotide position 2207. The serine at codon 736 is replaced by leucine, an amino acid with dissimilar properties. This amino acid position is conserved. In addition, this alteration is predicted to be tolerated by in silico analysis. Based on the available evidence, the clinical significance of this variant remains unclear.